The following is an entry in ClinVar:

ClinVar aggregate classification (germline): Likely benign. Review status: criteria provided, single submitter (1 of 4 stars). 2 submissions from 2 submitters: Likely benign (1). 1 of the submissions does not count toward it. Last evaluated 2025-08-02.

Conditions:
POLD1-related polyposis and colorectal cancer syndrome (CRCS10). Also called: Colorectal cancer, susceptibility to, 10; Colorectal cancer 10; COLORECTAL CANCER, SUSCEPTIBILITY TO, ON CHROMOSOME 19q. Identifiers: Orphanet 220460, MedGen C2675481, MONDO:0012953, OMIM 612591.
POLD1-related disorder. Also called: POLD1-related disorders; POLD1-related condition.

Submissions (2):

Labcorp Genetics (formerly Invitae), Labcorp
Classification: Likely benign for POLD1-related polyposis and colorectal cancer syndrome. Last evaluated: 2025-08-02. Review status: criteria provided, single submitter. Criteria: Invitae Variant Classification Sherloc (09022015). Collection method: clinical testing. Allele origin: germline.

PreventionGenetics, part of Exact Sciences
Classification: Likely benign for POLD1-related condition. Last evaluated: 2023-04-17. Review status: no assertion criteria provided. Collection method: clinical testing. Allele origin: germline. Not counted in ClinVar's aggregate classification.
Comment: This variant is classified as likely benign based on ACMG/AMP sequence variant interpretation guidelines (Richards et al. 2015 PMID: 25741868, with internal and published modifications).

NM_002691.4(POLD1):c.589+10C>A

Gene: POLD1 (DNA polymerase delta 1, catalytic subunit; plus strand). Cytogenetic location: 19q13.33.
Variant type: single nucleotide variant.
Coding change: c.589+10C>A on transcript NM_002691.4 (MANE Select); 10 bases into the intron after coding-DNA position 589, C replaced by A.
Molecular consequence: intron variant.
Genome position (GRCh38, 1-based): chr19:50,402,134, C>A. VCF-style: chr19-50402134-C-A. GRCh37 (hg19) VCF-style: chr19-50905391-C-A.
Other names: c.589+10C>A (NM_001256849.1, NM_001308632.1, NM_002691.3).
Identifiers: ClinVar variation 1142829 (VCV001142829.11), dbSNP rs2122241122, ClinGen allele CA406973581.